The following is an entry in ClinVar:

ClinVar aggregate classification (germline): Likely benign (1 of 4 stars; one submission).

Allele frequency attached by ClinVar (database versions not stated): TOPMed 0.00001; gnomAD exomes 0.00002; gnomAD 0.00001.
gnomAD v4.1: 25 of 1,613,752 alleles (0.0015%); highest among the groups gnomAD compares: Non-Finnish European, 0.0019%; no homozygotes.

Submission:

CeGaT Center for Human Genetics Tuebingen
Classification: Likely benign. Last evaluated: 2023-06-01. Review status: criteria provided, single submitter. Criteria: CeGaT Center For Human Genetics Tuebingen Variant Classification Criteria Version 2. Collection method: clinical testing. Allele origin: germline. Affected: yes. Observed: 1 variant allele.
Comment: CHURC1-FNTB: BP4; FNTB: BP4

NM_002028.4(FNTB):c.672C>T (p.Gly224=)

Genes: CHURC1-FNTB (CHURC1-FNTB readthrough; plus strand), FNTB (farnesyltransferase, CAAX box, subunit beta; plus strand), MAX (MYC associated transcriptional regulator X; minus strand). Cytogenetic location: 14q23.3.
Variant type: single nucleotide variant.
Coding change: c.672C>T on transcript NM_002028.4 (MANE Select); coding-DNA position 672, C replaced by T.
Protein change: p.Gly224=; no amino-acid change (glycine 224 retained).
Molecular consequence: synonymous variant. On other transcripts: intron variant (2).
Genome position (GRCh38, 1-based): chr14:65,032,676, C>T. VCF-style: chr14-65032676-C-T. GRCh37 (hg19) VCF-style: chr14-65499394-C-T.
Other names: c.534C>T, p.Gly178= (NM_001202558.2); c.855C>T, p.Gly285= (NM_001202559.1); c.145-26392G>A (NM_001271069.2); c.172-26392G>A (NM_197957.4).
Identifiers: ClinVar variation 2644327 (VCV002644327.22), dbSNP rs1459855883, ClinGen allele CA486744467.